The following is an entry in ClinVar:

NM_001148.6(ANK2):c.1117G>A (p.Ala373Thr)

Gene: ANK2 (ankyrin 2; plus strand). Cytogenetic location: 4q26.
Variant type: single nucleotide variant.
Coding change: c.1117G>A on transcript NM_001148.6 (MANE Select); coding-DNA position 1117, G replaced by A.
Protein change: p.Ala373Thr; replaces alanine 373 with threonine.
Molecular consequence: missense variant.
Genome position (GRCh38, 1-based): chr4:113,255,861, G>A. VCF-style: chr4-113255861-G-A. GRCh37 (hg19) VCF-style: chr4-114177017-G-A.
Other names: c.1054G>A, p.Ala352Thr (NM_001127493.3, NM_001354239.2, NM_001354243.2 and 14 more transcripts); c.1117G>A, p.Ala373Thr (NM_001354225.2, NM_001354228.2, NM_001354232.2 and 9 more transcripts); c.1162G>A, p.Ala388Thr (NM_001354230.2, NM_001354231.2, NM_001354237.2 and 5 more transcripts); c.1030G>A, p.Ala344Thr (NM_001354249.2, NM_001354260.2, NM_001354264.2 and 16 more transcripts); c.1075G>A, p.Ala359Thr (NM_001354261.2, NM_001386147.1, NM_001386160.1); c.1105G>A, p.Ala369Thr (NM_001354269.3, NM_001386148.2, NM_001386186.2); c.1168G>A, p.Ala390Thr (NM_001386174.1); c.1144G>A, p.Ala382Thr (NM_001386175.1); and 1 more; short protein forms A359T, A382T, A361T, A352T, A373T, A369T, A344T, A388T.
Identifiers: ClinVar variation 4051232 (VCV004051232.1).
Genomic context (GRCh38, chr4:113,255,861, plus strand): 5'-CAGCACAAGGCACCTGTTGATGATGTCACCCTAGACTACCTGACAGCCCTCCACGTTGCT[G>A]CGCACTGTGGCCACTACCGTGTAACCAAACTCCTTTTAGACAAGAGAGCCAATCCGAACG-3'
Protein context (NP_001139.3, residues 363-383): LDYLTALHVA[Ala373Thr]HCGHYRVTKL

ClinVar aggregate classification (germline): Uncertain significance (1 of 4 stars; one submission).

Conditions:
Cardiovascular phenotype. Identifiers: MedGen CN230736.

gnomAD v4.1: 1 of 1,614,100 alleles (0.000062%); highest among the groups gnomAD compares: Non-Finnish European, 0.000085%; no homozygotes.

Submission:

Ambry Genetics
Classification: Uncertain significance for Cardiovascular phenotype. Last evaluated: 2025-05-24. Review status: criteria provided, single submitter. Criteria: Ambry Variant Classification Scheme 2023. Collection method: clinical testing. Allele origin: germline.
Comment: The p.A373T variant (also known as c.1117G>A), located in coding exon 11 of the ANK2 gene, results from a G to A substitution at nucleotide position 1117. The alanine at codon 373 is replaced by threonine, an amino acid with similar properties. This amino acid position is conserved. In addition, the in silico prediction for this alteration is inconclusive. Based on the available evidence, the clinical significance of this variant remains unclear.